The following is an entry in ClinVar:

NM_012123.4(MTO1):c.1619G>A (p.Ser540Asn)

Gene: MTO1 (mitochondrial tRNA translation optimization 1; plus strand). Cytogenetic location: 6q13.
Variant type: single nucleotide variant.
Coding change: c.1619G>A on transcript NM_012123.4 (MANE Select); coding-DNA position 1619, G replaced by A.
Protein change: p.Ser540Asn; replaces serine 540 with asparagine.
Molecular consequence: missense variant.
Genome position (GRCh38, 1-based): chr6:73,482,602, G>A. VCF-style: chr6-73482602-G-A. GRCh37 (hg19) VCF-style: chr6-74192325-G-A.
Other names: c.1739G>A, p.Ser580Asn (NM_001123226.2); c.1694G>A, p.Ser565Asn (NM_133645.3); c.1739G>A (NM_001123226.1); short protein forms S565N, S580N, S540N.
Identifiers: ClinVar variation 1399941 (VCV001399941.6), dbSNP rs773811434, ClinGen allele CA3889690.

ClinVar aggregate classification (germline): Uncertain significance. Review status: criteria provided, multiple submitters, no conflicts (2 of 4 stars). 2 submissions from 2 submitters: Uncertain significance (2). Last evaluated 2024-11-11.

Conditions:
Inborn genetic diseases. Identifiers: MedGen C0950123, MeSH D030342.
Mitochondrial hypertrophic cardiomyopathy with lactic acidosis due to MTO1 deficiency. Also called: CARDIOMYOPATHY, INFANTILE HYPERTROPHIC MITOCHONDRIAL, AND LACTIC ACIDOSIS; Combined oxidative phosphorylation deficiency 10. Identifiers: Orphanet 314637, MedGen C4749921, MONDO:0013865, OMIM 614702.

Submissions (2):

Labcorp Genetics (formerly Invitae), Labcorp
Classification: Uncertain significance for Mitochondrial hypertrophic cardiomyopathy with lactic acidosis due to MTO1 deficiency. Last evaluated: 2024-11-11. Review status: criteria provided, single submitter. Criteria: Invitae Variant Classification Sherloc (09022015). Collection method: clinical testing. Allele origin: germline.
Comment: This sequence change replaces serine, which is neutral and polar, with asparagine, which is neutral and polar, at codon 540 of the MTO1 protein (p.Ser540Asn). This variant is present in population databases (rs773811434, gnomAD 0.003%). This variant has not been reported in the literature in individuals affected with MTO1-related conditions. ClinVar contains an entry for this variant (Variation ID: 1399941). Invitae Evidence Modeling of protein sequence and biophysical properties (such as structural, functional, and spatial information, amino acid conservation, physicochemical variation, residue mobility, and thermodynamic stability) indicates that this missense variant is not expected to disrupt MTO1 protein function with a negative predictive value of 95%. In summary, the available evidence is currently insufficient to determine the role of this variant in disease. Therefore, it has been classified as a Variant of Uncertain Significance.

Ambry Genetics
Classification: Uncertain significance for Inborn genetic diseases. Last evaluated: 2023-02-28. Review status: criteria provided, single submitter. Criteria: Ambry Variant Classification Scheme 2023. Collection method: clinical testing. Allele origin: germline.